The following is an entry in ClinVar:

NM_007055.4(POLR3A):c.*1152G>A

Gene: POLR3A (RNA polymerase III subunit A; minus strand). Cytogenetic location: 10q22.3.
Variant type: single nucleotide variant.
Coding change: c.*1152G>A on transcript NM_007055.4 (MANE Select); 1152 bases downstream of the stop codon, G replaced by A.
Molecular consequence: 3 prime UTR variant.
Genome position (GRCh38, 1-based): chr10:77,976,326, C>T on the plus strand (G>A on the coding strand, the complement: POLR3A is on the minus strand). VCF-style: chr10-77976326-C-T. GRCh37 (hg19) VCF-style: chr10-79736084-C-T.
Identifiers: ClinVar variation 877219 (VCV000877219.4), dbSNP rs143418325, ClinGen allele CA210183282.

ClinVar aggregate classification (germline): Benign (1 of 4 stars; one submission).

Conditions:
Leukodystrophy, hypomyelinating, 7, with or without oligodontia and/or hypogonadotropic hypogonadism (HLD7). Also called: LEUKOENCEPHALOPATHY, HYPOMYELINATING, WITH ATAXIA AND DELAYED DENTITION; ATAXIA, DELAYED DENTITION, AND HYPOMYELINATION; LEUKODYSTROPHY, HYPOMYELINATING, 7, WITH OLIGODONTIA; LEUKODYSTROPHY, HYPOMYELINATING, 7, WITH OLIGODONTIA AND HYPOGONADOTROPIC HYPOGONADISM; LEUKODYSTROPHY, HYPOMYELINATING, 7, WITHOUT OLIGODONTIA OR HYPOGONADOTROPIC HYPOGONADISM; Ataxia, Delayed Dentition and Hypomyelination (ADDH). Identifiers: Orphanet 137639, Orphanet 447893, Orphanet 447896, Orphanet 77295, Orphanet 88637, MedGen CN034185, MONDO:0011897, OMIM 607694.

Allele frequency attached by ClinVar (database versions not stated): 1000 Genomes Project 0.00459; 1000 Genomes Project 30x 0.00547; gnomAD 0.00669 and 0.00728; TOPMed 0.00736.

Submission:

Illumina Laboratory Services, Illumina
Classification: Benign for Leukodystrophy, hypomyelinating, 7, with or without oligodontia and/or hypogonadotropic hypogonadism. Last evaluated: 2018-01-13. Review status: criteria provided, single submitter. Criteria: ICSL Variant Classification Criteria 13 December 2019. Collection method: clinical testing. Allele origin: germline.
Comment: This variant was observed in the ICSL laboratory as part of a predisposition screen in an ostensibly healthy population. It had not been previously curated by ICSL or reported in the Human Gene Mutation Database (HGMD: prior to June 1st, 2018), and was therefore a candidate for classification through an automated scoring system. Utilizing variant allele frequency, disease prevalence and penetrance estimates, and inheritance mode, an automated score was calculated to assess if this variant is too frequent to cause the disease. Based on the score and internal cut-off values, a variant classified as benign is not then subjected to further curation. The score for this variant resulted in a classification of benign for this disease.